The following is an entry in ClinVar:

NM_015662.3(IFT172):c.483-9C>T

Gene: IFT172 (intraflagellar transport 172; minus strand). Cytogenetic location: 2p23.3.
Variant type: single nucleotide variant.
Coding change: c.483-9C>T on transcript NM_015662.3 (MANE Select); 9 bases into the intron before coding-DNA position 483, C replaced by T.
Molecular consequence: intron variant.
Genome position (GRCh38, 1-based): chr2:27,483,385, G>A on the plus strand (C>T on the coding strand, the complement: IFT172 is on the minus strand). VCF-style: chr2-27483385-G-A. GRCh37 (hg19) VCF-style: chr2-27706252-G-A.
Other names: c.483-9C>T (NM_015662.2).
Identifiers: ClinVar variation 1913644 (VCV001913644.7), dbSNP rs751845786, ClinGen allele CA1580960.
Genomic context (GRCh38, chr2:27,483,385, plus strand): 5'-CCTAACGATGGTACCATCTGCATGACCAGAGAGAATTCCTTTCCCAGAGCAACTAAAAAA[G>A]GAGAAAGGAGAGAAATACAGGAAGAGACTATTTTATCTCACCAAGAAAGCCCCTTTCTCT-3'

ClinVar aggregate classification (germline): Likely benign. Review status: criteria provided, multiple submitters, no conflicts (2 of 4 stars). 3 submissions from 3 submitters: Likely benign (3). Last evaluated 2025-02-04.

Conditions:
IFT172-related disorder. Also called: IFT172-related disorders; IFT172-related condition.
Short-rib thoracic dysplasia 10 with or without polydactyly (SRTD10). Identifiers: Orphanet 474, MedGen C3810175, MONDO:0014284, OMIM 615630.
Retinitis pigmentosa 71 (RP71). Identifiers: Orphanet 791, MedGen C4225342, MONDO:0014618, OMIM 616394.

Allele frequency attached by ClinVar (database versions not stated): gnomAD exomes below 0.00001; TOPMed below 0.00001; gnomAD 0.00001; ExAC 0.00002.
gnomAD v4.1: 14 of 1,562,996 alleles (0.0009%); highest among the groups gnomAD compares: Admixed American, 0.005%; 1 homozygote.

Submissions (3):

Labcorp Genetics (formerly Invitae), Labcorp
Classification: Likely benign for Retinitis pigmentosa 71; Short-rib thoracic dysplasia 10 with or without polydactyly. Last evaluated: 2025-02-04. Review status: criteria provided, single submitter. Criteria: Invitae Variant Classification Sherloc (09022015). Collection method: clinical testing. Allele origin: germline.

PreventionGenetics, part of Exact Sciences
Classification: Likely benign for IFT172-related condition. Last evaluated: 2024-11-04. Review status: criteria provided, single submitter. Criteria: ACMG Guidelines, 2015. Collection method: clinical testing. Allele origin: germline.
Comment: This variant is classified as likely benign based on ACMG/AMP sequence variant interpretation guidelines (Richards et al. 2015 PMID: 25741868, with internal and published modifications).

Blueprint Genetics
Classification: Likely benign. Last evaluated: 2019-11-07. Review status: criteria provided, single submitter. Criteria: ACMG Guidelines, 2015. Collection method: clinical testing. Allele origin: germline.